The following is an entry in ClinVar:

NM_000059.4(BRCA2):c.8923_8950del (p.Val2975fs)

Gene: BRCA2 (BRCA2 DNA repair associated; plus strand). Cytogenetic location: 13q13.1.
Variant type: Deletion.
Coding change: c.8923_8950del on transcript NM_000059.4 (MANE Select); coding-DNA positions 8923 to 8950, 28 bases deleted (GTAAGCTATTCAAAAAAAGAAAAAGATT).
Protein change: p.Val2975fs; shifts the reading frame from valine 2975.
Molecular consequence: frameshift variant. On other transcripts: non-coding transcript variant (1).
Genome position (GRCh38, 1-based): chr13:32,379,485-32,379,512, GTAAGCTATTCAAAAAAAGAAAAAGATT deleted; deleting any 28 consecutive bases within chr13:32,379,482-32,379,512 gives the same sequence; the c. name uses the placement nearest the transcript's 3' end. VCF-style (leftmost placement, unchanged base first): chr13-32379481-TATTGTAAGCTATTCAAAAAAAGAAAAAG-T. GRCh37 (hg19) VCF-style: chr13-32953618-TATTGTAAGCTATTCAAAAAAAGAAAAAG-T.
Other names: c.8827_8854del, p.Val2943fs (NM_001406719.1); c.8923_8950del, p.Val2975fs (NM_001406720.1); c.3991_4018del, p.Val1331fs (NM_001406721.1); c.2506_2533del, p.Val836fs (NM_001406722.1); short protein forms V2943fs, V1331fs, V2975fs, V836fs.
Identifiers: ClinVar variation 2451525 (VCV002451525.2), dbSNP rs2548555270, ClinGen allele CA2580087469.

ClinVar aggregate classification (germline): Pathogenic (1 of 4 stars; one submission).

Conditions:
Hereditary cancer-predisposing syndrome. Also called: Neoplastic Syndromes, Hereditary; Tumor predisposition; Hereditary neoplastic syndrome; Hereditary Cancer Syndrome. Identifiers: Orphanet 140162, MedGen C0027672, MeSH D009386, MONDO:0015356.

Submission:

Ambry Genetics
Classification: Pathogenic for Hereditary cancer-predisposing syndrome. Last evaluated: 2023-01-09. Review status: criteria provided, single submitter. Criteria: Ambry Variant Classification Scheme 2023. Collection method: clinical testing. Allele origin: germline.
Comment: The c.8923_8950del28 pathogenic mutation, located in coding exon 21 of the BRCA2 gene, results from a deletion of 28 nucleotides at nucleotide positions 8923 to 8950, causing a translational frameshift with a predicted alternate stop codon (p.V2975Qfs*4). This variant is considered to be rare based on population cohorts in the Genome Aggregation Database (gnomAD). This alteration is expected to result in loss of function by premature protein truncation or nonsense-mediated mRNA decay. As such, this alteration is interpreted as a disease-causing mutation.